The following is an entry in ClinVar:

NM_002691.4(POLD1):c.2987_3058del (p.Thr996_Leu1019del)

Gene: POLD1 (DNA polymerase delta 1, catalytic subunit; plus strand). Cytogenetic location: 19q13.33.
Variant type: Deletion.
Coding change: c.2987_3058del on transcript NM_002691.4 (MANE Select); coding-DNA positions 2987 to 3058, 72 bases deleted.
Protein change: p.Thr996_Leu1019del.
Molecular consequence: inframe deletion. On other transcripts: non-coding transcript variant (1).
Genome position (GRCh38, 1-based): chr19:50,416,643-50,416,714, 72 bases deleted. GRCh37 (hg19): chr19:50,919,900-50,919,971.
Other names: c.2987_3058del, p.Thr996_Leu1019del (NM_001256849.1); c.3065_3136del, p.Thr1022_Leu1045del (NM_001308632.1).
Identifiers: ClinVar variation 2771508 (VCV002771508.3), dbSNP rs2514068843, ClinGen allele CA2697552018.

ClinVar aggregate classification (germline): Uncertain significance (1 of 4 stars; one submission).

Conditions:
POLD1-related polyposis and colorectal cancer syndrome (CRCS10). Also called: Colorectal cancer 10; Colorectal cancer, susceptibility to, 10; COLORECTAL CANCER, SUSCEPTIBILITY TO, ON CHROMOSOME 19q. Identifiers: Orphanet 220460, MedGen C2675481, MONDO:0012953, OMIM 612591.

Submission:

Labcorp Genetics (formerly Invitae), Labcorp
Classification: Uncertain significance for POLD1-related polyposis and colorectal cancer syndrome. Last evaluated: 2025-01-07. Review status: criteria provided, single submitter. Criteria: Invitae Variant Classification Sherloc (09022015). Collection method: clinical testing. Allele origin: germline.
Comment: This variant, c.2987_3058del, results in the deletion of 24 amino acid(s) of the POLD1 protein (p.Thr996_Leu1019del), but otherwise preserves the integrity of the reading frame. This variant is not present in population databases (gnomAD no frequency). This variant has not been reported in the literature in individuals affected with POLD1-related conditions. ClinVar contains an entry for this variant (Variation ID: 2771508). Experimental studies and prediction algorithms are not available or were not evaluated, and the functional significance of this variant is currently unknown. In summary, the available evidence is currently insufficient to determine the role of this variant in disease. Therefore, it has been classified as a Variant of Uncertain Significance.